The following is an entry in ClinVar:

ClinVar aggregate classification (germline): Uncertain significance (1 of 4 stars; one submission).

Allele frequency attached by ClinVar (database versions not stated): gnomAD exomes below 0.00001.
gnomAD v4.1: 1 of 1,613,852 alleles (0.000062%); highest among the groups gnomAD compares: Non-Finnish European, 0.000085%; no homozygotes.

Submission:

Labcorp Genetics (formerly Invitae), Labcorp
Classification: Uncertain significance. Last evaluated: 2022-03-29. Review status: criteria provided, single submitter. Criteria: Invitae Variant Classification Sherloc (09022015). Collection method: clinical testing. Allele origin: germline.
Comment: This sequence change replaces histidine, which is basic and polar, with arginine, which is basic and polar, at codon 638 of the MME protein (p.His638Arg). This variant is not present in population databases (gnomAD no frequency). In summary, the available evidence is currently insufficient to determine the role of this variant in disease. Therefore, it has been classified as a Variant of Uncertain Significance. Algorithms developed to predict the effect of sequence changes on RNA splicing suggest that this variant may disrupt the consensus splice site. Algorithms developed to predict the effect of missense changes on protein structure and function (SIFT, PolyPhen-2, Align-GVGD) all suggest that this variant is likely to be tolerated. This variant has not been reported in the literature in individuals affected with MME-related conditions.

NM_007289.4(MME):c.1913A>G (p.His638Arg)

Gene: MME (membrane metalloendopeptidase; plus strand). Cytogenetic location: 3q25.2.
Variant type: single nucleotide variant.
Coding change: c.1913A>G on transcript NM_007289.4 (MANE Select); coding-DNA position 1913, A replaced by G.
Protein change: p.His638Arg; replaces histidine 638 with arginine.
Molecular consequence: missense variant.
Genome position (GRCh38, 1-based): chr3:155,168,624, A>G. VCF-style: chr3-155168624-A-G. GRCh37 (hg19) VCF-style: chr3-154886413-A-G.
Other names: c.1913A>G, p.His638Arg (NM_000902.5, NM_001354642.2, NM_001354643.1 and 2 more transcripts); short protein forms H638R.
Identifiers: ClinVar variation 2119198 (VCV002119198.4), dbSNP rs2473162559, ClinGen allele CA355218668.
Genomic context (GRCh38, chr3:155,168,624, plus strand): 5'-AATCCCAGTGCATGGTGTATCAGTATGGAAACTTTTCCTGGGACCTGGCAGGTGGACAGC[A>G]CGTATGTCATTAGCATTCTCTTGAAAAGTTTTAGACATGTTCAATCTTAAGTGTATTATT-3'
Protein context (NP_009220.2, residues 628-648): NFSWDLAGGQ[His638Arg]LNGINTLGEN